The following is an entry in ClinVar:

ClinVar aggregate classification (germline): Pathogenic. Review status: criteria provided, multiple submitters, no conflicts (2 of 4 stars). 2 submissions from 2 submitters: Pathogenic (2). Last evaluated 2024-07-02.

Conditions:
Maple syrup urine disease (MSUD). Identifiers: Orphanet 511, MedGen C0024776, MeSH D008375, MONDO:0009563. Disease mechanism: loss of function.
Maple syrup urine disease type 1B (MSUD1B). Also called: MSUD type IB; MSUD type 3 (formerly); MSUD due to deficiency of e1-beta subunit of branched-chain alpha-keto acid dehydrogenase complex. Identifiers: MedGen C2930990, MONDO:0023692, OMIM 620698.

Submissions (2):

Natera, Inc.
Classification: Pathogenic for Maple syrup urine disease type 1B. Last evaluated: 2024-07-02. Review status: criteria provided, single submitter. Criteria: Natera Variant Classification Schema (03/2026). Collection method: clinical testing. Allele origin: germline.
Comment: The c.908dup variant in BCKDHB is a frameshift variant predicted to shift the reading frame beginning at codon 303 and leads to a stop codon 15 codons downstream. This variant is expected to result in nonsense mediated decay, truncation, or a dysfunctional protein product. This variant is rare in the general population with a frequency below the threshold expected for the associated phenotype(s). This variant has been observed in one or more individuals affected with the associated recessive disease, as either homozygous or compound heterozygous with a second variant (PMID: 32812330). Given the available evidence, this variant is classified as Pathogenic.

Labcorp Genetics (formerly Invitae), Labcorp
Classification: Pathogenic for Maple syrup urine disease. Last evaluated: 2019-10-31. Review status: criteria provided, single submitter. Criteria: Invitae Variant Classification Sherloc (09022015). Collection method: clinical testing. Allele origin: germline.
Comment: For these reasons, this variant has been classified as Pathogenic. Loss-of-function variants in BCKDHB are known to be pathogenic (PMID: 16786533, 22593002). This variant has not been reported in the literature in individuals with BCKDHB-related conditions. This variant is not present in population databases (ExAC no frequency). This sequence change creates a premature translational stop signal (p.Asp303Glufs*15) in the BCKDHB gene. It is expected to result in an absent or disrupted protein product.

Literature cited by the submitters: PubMed 32812330 (cited by Natera, Inc.); PubMed 16786533 (cited by Labcorp Genetics (formerly Invitae), Labcorp); PubMed 22593002 (cited by Labcorp Genetics (formerly Invitae), Labcorp).

NM_183050.4(BCKDHB):c.908dup (p.Asp303fs)

Gene: BCKDHB (branched chain keto acid dehydrogenase E1 subunit beta; plus strand). Cytogenetic location: 6q14.1.
Variant type: Duplication.
Coding change: c.908dup on transcript NM_183050.4 (MANE Select); coding-DNA position 908, one base duplicated (A; older notation c.908dupA).
Protein change: p.Asp303fs; shifts the reading frame from aspartic acid 303.
Molecular consequence: frameshift variant. On other transcripts: non-coding transcript variant (1).
Genome position (GRCh38, 1-based): chr6:80,203,169, A duplicated. VCF-style (leftmost placement, unchanged base first): chr6-80203168-G-GA. GRCh37 (hg19) VCF-style: chr6-80912885-G-GA.
Other names: c.908dup (NM_183050.3); c.908dup, p.Asp303fs (NM_000056.5); c.698dup, p.Asp233fs (NM_001318975.1); short protein forms D233fs, D303fs.
Identifiers: ClinVar variation 849015 (VCV000849015.8), dbSNP rs1774478421, ClinGen allele CA916082889.